The following is an entry in ClinVar:

NM_000553.6(WRN):c.3138+2T>G

Gene: WRN (WRN RecQ like helicase; plus strand). Cytogenetic location: 8p12.
Variant type: single nucleotide variant.
Coding change: c.3138+2T>G on transcript NM_000553.6 (MANE Select); the canonical splice donor site of the intron after coding-DNA position 3138, T replaced by G.
Molecular consequence: splice donor variant.
Genome position (GRCh38, 1-based): chr8:31,141,602, T>G. VCF-style: chr8-31141602-T-G. GRCh37 (hg19) VCF-style: chr8-30999118-T-G.
Identifiers: ClinVar variation 3630196 (VCV003630196.2).

ClinVar aggregate classification (germline): Likely pathogenic (1 of 4 stars; one submission).

Conditions:
Werner syndrome (WRN). Identifiers: Orphanet 902, MedGen C0043119, MONDO:0010196, OMIM 277700.

Submission:

Labcorp Genetics (formerly Invitae), Labcorp
Classification: Likely pathogenic for Werner syndrome. Last evaluated: 2024-03-13. Review status: criteria provided, single submitter. Criteria: Invitae Variant Classification Sherloc (09022015). Collection method: clinical testing. Allele origin: germline.
Comment: This sequence change affects a donor splice site in intron 25 of the WRN gene. It is expected to disrupt RNA splicing. Variants that disrupt the donor or acceptor splice site typically lead to a loss of protein function (PMID: 16199547), and loss-of-function variants in WRN are known to be pathogenic (PMID: 16673358). This variant is not present in population databases (gnomAD no frequency). This variant has not been reported in the literature in individuals affected with WRN-related conditions. Algorithms developed to predict the effect of sequence changes on RNA splicing suggest that this variant may disrupt the consensus splice site. In summary, the currently available evidence indicates that the variant is pathogenic, but additional data are needed to prove that conclusively. Therefore, this variant has been classified as Likely Pathogenic.

Literature cited by the submitters: PubMed 16199547; PubMed 16673358.